The following is an entry in ClinVar:

NM_003764.4(STX11):c.677A>C (p.Glu226Ala)

Gene: STX11 (syntaxin 11; plus strand). Cytogenetic location: 6q24.2.
Variant type: single nucleotide variant.
Coding change: c.677A>C on transcript NM_003764.4 (MANE Select); coding-DNA position 677, A replaced by C.
Protein change: p.Glu226Ala; replaces glutamic acid 226 with alanine.
Molecular consequence: missense variant.
Genome position (GRCh38, 1-based): chr6:144,187,304, A>C. VCF-style: chr6-144187304-A-C. GRCh37 (hg19) VCF-style: chr6-144508441-A-C.
Other names: short protein forms E226A.
Identifiers: ClinVar variation 963388 (VCV000963388.9), dbSNP rs1802082989, ClinGen allele CA365949758.

ClinVar aggregate classification (germline): Uncertain significance (1 of 4 stars; one submission).

Conditions:
Familial hemophagocytic lymphohistiocytosis 4 (FHL4). Also called: STX11-Related Familial Hemophagocytic Lymphohistiocytosis (STX11-fHLH). Identifiers: Orphanet 540, MedGen C1863728, MONDO:0011336, OMIM 603552.

Submission:

Labcorp Genetics (formerly Invitae), Labcorp
Classification: Uncertain significance for Familial hemophagocytic lymphohistiocytosis 4. Last evaluated: 2023-11-28. Review status: criteria provided, single submitter. Criteria: Invitae Variant Classification Sherloc (09022015). Collection method: clinical testing. Allele origin: germline.
Comment: This sequence change replaces glutamic acid, which is acidic and polar, with alanine, which is neutral and non-polar, at codon 226 of the STX11 protein (p.Glu226Ala). This variant is not present in population databases (gnomAD no frequency). This variant has not been reported in the literature in individuals affected with STX11-related conditions. ClinVar contains an entry for this variant (Variation ID: 963388). Advanced modeling of protein sequence and biophysical properties (such as structural, functional, and spatial information, amino acid conservation, physicochemical variation, residue mobility, and thermodynamic stability) performed at Invitae indicates that this missense variant is not expected to disrupt STX11 protein function with a negative predictive value of 80%. Algorithms developed to predict the effect of sequence changes on RNA splicing suggest that this variant may create or strengthen a splice site. In summary, the available evidence is currently insufficient to determine the role of this variant in disease. Therefore, it has been classified as a Variant of Uncertain Significance.